The following is an entry in ClinVar:

ClinVar aggregate classification (germline): Uncertain significance (1 of 4 stars; one submission).

Conditions:
Cardiovascular phenotype. Identifiers: MedGen CN230736.

gnomAD v4.1: 1 of 1,613,872 alleles (0.000062%); highest among the groups gnomAD compares: Admixed American, 0.0017%; no homozygotes.

Submission:

Ambry Genetics
Classification: Uncertain significance for Cardiovascular phenotype. Last evaluated: 2025-11-10. Review status: criteria provided, single submitter. Criteria: Ambry Variant Classification Scheme 2023. Collection method: clinical testing. Allele origin: germline.
Comment: The p.I810L variant (also known as c.2428A>C), located in coding exon 20 of the ABCC9 gene, results from an A to C substitution at nucleotide position 2428. The isoleucine at codon 810 is replaced by leucine, an amino acid with highly similar properties. This amino acid position is highly conserved in available vertebrate species. In addition, this alteration is predicted to be deleterious by in silico analysis. Based on the available evidence, the clinical significance of this variant remains unclear.

NM_020297.4(ABCC9):c.2428A>C (p.Ile810Leu)

Gene: ABCC9 (ATP binding cassette subfamily C member 9; minus strand). Cytogenetic location: 12p12.1.
Variant type: single nucleotide variant.
Coding change: c.2428A>C on transcript NM_020297.4 (MANE Select); coding-DNA position 2428, A replaced by C.
Protein change: p.Ile810Leu; replaces isoleucine 810 with leucine.
Molecular consequence: missense variant.
Genome position (GRCh38, 1-based): chr12:21,859,663, T>G on the plus strand (A>C on the coding strand, the complement: ABCC9 is on the minus strand). VCF-style: chr12-21859663-T-G. GRCh37 (hg19) VCF-style: chr12-22012597-T-G.
Other names: c.2428A>C, p.Ile810Leu (NM_005691.4, NM_001377273.1); c.1561A>C, p.Ile521Leu (NM_001377274.1); short protein forms I810L, I521L.
Identifiers: ClinVar variation 4613316 (VCV004613316.1).